The following is an entry in ClinVar:

NM_017802.4(DNAAF5):c.385G>C (p.Val129Leu)

Genes: PRKAR1B (protein kinase cAMP-dependent type I regulatory subunit beta; minus strand), DNAAF5 (dynein axonemal assembly factor 5; plus strand). Cytogenetic location: 7p22.3.
Variant type: single nucleotide variant.
Coding change: c.385G>C on transcript NM_017802.4 (MANE Select); coding-DNA position 385, G replaced by C.
Protein change: p.Val129Leu; replaces valine 129 with leucine.
Molecular consequence: missense variant. On other transcripts: non-coding transcript variant (1), intron variant (3).
Genome position (GRCh38, 1-based): chr7:727,105, G>C. VCF-style: chr7-727105-G-C. GRCh37 (hg19) VCF-style: chr7-766742-G-C.
Other names: p.Val129Leu; c.-23+550C>G (NM_001164759.1); c.-23+485C>G (NM_001164758.2); c.-23+105C>G (NM_001164760.2); short protein forms V129L.
Identifiers: ClinVar variation 454867 (VCV000454867.34), dbSNP rs1031852692, ClinGen allele CA152333428.
Genomic context (GRCh38, chr7:727,105, plus strand): 5'-CGGCCCCGCGATGCCCTGCCGCGCCTGCTGCCCGCGCTCGCCGCGCGCTTGGCCGGCCCC[G>C]TGCCCGCGCGCCGCCCGCCCGAGGCCTGTGAGGAGCTGCGCCTGGCGCTTGTGCAGCTGC-3'
Protein context (NP_060272.3, residues 119-139): PALAARLAGP[Val129Leu]PARRPPEACE

ClinVar aggregate classification (germline): Conflicting classifications of pathogenicity. Review status: criteria provided, conflicting classifications (1 of 4 stars). 6 submissions from 6 submitters: Uncertain significance (1); Benign (1); Likely benign (3). 1 of the submissions does not count toward it. Last evaluated 2025-05-26.

Conditions:
Primary ciliary dyskinesia. Also called: Ciliary dyskinesia. Identifiers: Orphanet 244, MedGen C0008780, MONDO:0016575, HP:0012265.
DNAAF5-related disorder. Also called: DNAAF5-related condition.

Allele frequency attached by ClinVar (database versions not stated): 1000 Genomes Project 30x 0.00047; gnomAD 0.00090 and 0.00091; TOPMed 0.00097; gnomAD exomes 0.00154.
gnomAD v4.1: 1,557 of 1,093,628 alleles (0.14%); highest among the groups gnomAD compares: Non-Finnish European, 0.17%; no homozygotes.

Submissions (6):

Mayo Clinic Laboratories, Mayo Clinic
Classification: Likely benign. Last evaluated: 2025-05-26. Review status: criteria provided, single submitter. Criteria: ACMG Guidelines, 2015. Collection method: clinical testing. Allele origin: germline. Observed: 2 variant alleles.
Comment: BS1, BP4_moderate

Labcorp Genetics (formerly Invitae), Labcorp
Classification: Uncertain significance for Primary ciliary dyskinesia. Last evaluated: 2025-01-08. Review status: criteria provided, single submitter. Criteria: Invitae Variant Classification Sherloc (09022015). Collection method: clinical testing. Allele origin: germline.
Comment: This sequence change replaces valine, which is neutral and non-polar, with leucine, which is neutral and non-polar, at codon 129 of the DNAAF5 protein (p.Val129Leu). This variant is present in population databases (no rsID available, gnomAD 0.4%), and has an allele count higher than expected for a pathogenic variant. This variant has not been reported in the literature in individuals affected with DNAAF5-related conditions. ClinVar contains an entry for this variant (Variation ID: 454867). An algorithm developed to predict the effect of missense changes on protein structure and function (PolyPhen-2) suggests that this variant¬†is likely to be tolerated. In summary, the available evidence is currently insufficient to determine the role of this variant in disease. Therefore, it has been classified as a Variant of Uncertain Significance.

Blueprint Genetics
Classification: Likely benign. Last evaluated: 2024-11-26. Review status: criteria provided, single submitter. Criteria: ACMG Guidelines, 2015. Collection method: clinical testing. Allele origin: germline.

CeGaT Center for Human Genetics Tuebingen
Classification: Benign. Last evaluated: 2023-12-01. Review status: criteria provided, single submitter. Criteria: CeGaT Center For Human Genetics Tuebingen Variant Classification Criteria Version 2. Collection method: clinical testing. Allele origin: germline. Affected: yes. Observed: 1 variant allele.
Comment: PRKAR1B: BS1, BS2

Ambry Genetics
Classification: Likely benign for Primary ciliary dyskinesia. Last evaluated: 2017-04-06. Review status: criteria provided, single submitter. Criteria: Ambry Variant Classification Scheme 2023. Collection method: clinical testing. Allele origin: germline.

PreventionGenetics, part of Exact Sciences
Classification: Likely benign for DNAAF5-related condition. Last evaluated: 2022-07-28. Review status: no assertion criteria provided. Collection method: clinical testing. Allele origin: germline. Not counted in ClinVar's aggregate classification.
Comment: This variant is classified as likely benign based on ACMG/AMP sequence variant interpretation guidelines (Richards et al. 2015 PMID: 25741868, with internal and published modifications).